The following is an entry in ClinVar:

NM_001128178.3(NPHP1):c.625C>G (p.Pro209Ala)

Gene: NPHP1 (nephrocystin 1; minus strand). Cytogenetic location: 2q13.
Variant type: single nucleotide variant.
Coding change: c.625C>G on transcript NM_001128178.3 (MANE Select); coding-DNA position 625, C replaced by G.
Protein change: p.Pro209Ala; replaces proline 209 with alanine.
Molecular consequence: missense variant.
Genome position (GRCh38, 1-based): chr2:110,165,155, G>C on the plus strand (C>G on the coding strand, the complement: NPHP1 is on the minus strand). VCF-style: chr2-110165155-G-C. GRCh37 (hg19) VCF-style: chr2-110922732-G-C.
Other names: c.625C>G, p.Pro209Ala (NM_000272.5, NM_001374256.1, NM_001374257.1 and 1 more transcripts); c.439C>G, p.Pro147Ala (NM_001128179.3); short protein forms P209A, P147A.
Identifiers: ClinVar variation 4999674 (VCV004999674.1).

ClinVar aggregate classification (germline): Uncertain significance (1 of 4 stars; one submission).

Conditions:
NPHP1-related disorder. Also called: NPHP1-related condition; NPHP1-related disorders.

gnomAD v4.1: 3 of 1,608,580 alleles (0.00019%); highest among the groups gnomAD compares: Non-Finnish European, 0.00026%; no homozygotes.

Submission:

PreventionGenetics, part of Exact Sciences
Classification: Uncertain significance for NPHP1-related condition. Last evaluated: 2025-07-29. Review status: criteria provided, single submitter. Criteria: ACMG Guidelines, 2015. Collection method: clinical testing. Allele origin: germline.
Comment: The NPHP1 c.625C>G variant is predicted to result in the amino acid substitution p.Pro209Ala. To our knowledge, this variant has not been reported in the literature. This variant is reported in 0.00088% of alleles in individuals of European (Non-Finnish) descent in gnomAD. At this time, the clinical significance of this variant is uncertain due to the absence of conclusive functional and genetic evidence.